The following is an entry in ClinVar:

NM_003114.5(SPAG1):c.1282_1294del (p.Ala428fs)

Genes: SPAG1 (sperm associated antigen 1; plus strand), LOC130000832 (ATAC-STARR-seq lymphoblastoid silent region 19412; plus strand). Cytogenetic location: 8q22.2.
Variant type: Deletion.
Coding change: c.1282_1294del on transcript NM_003114.5 (MANE Select); coding-DNA positions 1282 to 1294, 13 bases deleted (GCGGGCGGCGGCG).
Protein change: p.Ala428fs; shifts the reading frame from alanine 428.
Molecular consequence: frameshift variant.
Genome position (GRCh38, 1-based): chr8:100,213,275-100,213,287, GCGGGCGGCGGCG deleted; deleting any 13 consecutive bases within chr8:100,213,265-100,213,287 gives the same sequence; the c. name uses the placement nearest the transcript's 3' end. VCF-style (leftmost placement, unchanged base first): chr8-100213264-CGGCGGCGGCGGCG-C. GRCh37 (hg19) VCF-style: chr8-101225492-CGGCGGCGGCGGCG-C.
Other names: c.1282_1294del, p.Ala428fs (NM_001374321.1, NM_172218.3); short protein forms A428fs.
Identifiers: ClinVar variation 848747 (VCV000848747.9), dbSNP rs973819096, ClinGen allele CA844564491.

ClinVar aggregate classification (germline): Pathogenic/Likely pathogenic. Review status: criteria provided, multiple submitters, no conflicts (2 of 4 stars). 2 submissions from 2 submitters: Pathogenic (1); Likely pathogenic (1). Last evaluated 2022-04-29.

Conditions:
Primary ciliary dyskinesia 28. Also called: CILIARY DYSKINESIA, PRIMARY, 28, WITH OR WITHOUT SITUS INVERSUS. Identifiers: Orphanet 244, MedGen C3809706, MONDO:0014216, OMIM 615505.

Submissions (2):

Fulgent Genetics
Classification: Likely pathogenic for Primary ciliary dyskinesia 28. Last evaluated: 2022-04-29. Review status: criteria provided, single submitter. Criteria: ACMG Guidelines, 2015. Collection method: clinical testing. Allele origin: unknown.

Labcorp Genetics (formerly Invitae), Labcorp
Classification: Pathogenic for Primary ciliary dyskinesia 28. Last evaluated: 2022-02-10. Review status: criteria provided, single submitter. Criteria: Invitae Variant Classification Sherloc (09022015). Collection method: clinical testing. Allele origin: germline.
Comment: This sequence change creates a premature translational stop signal (p.Ala428Profs*17) in the SPAG1 gene. It is expected to result in an absent or disrupted protein product. Loss-of-function variants in SPAG1 are known to be pathogenic (PMID: 24055112). This variant is not present in population databases (gnomAD no frequency). This variant has not been reported in the literature in individuals affected with SPAG1-related conditions. ClinVar contains an entry for this variant (Variation ID: 848747). For these reasons, this variant has been classified as Pathogenic.

Literature cited by the submitters: PubMed 24055112 (cited by Labcorp Genetics (formerly Invitae), Labcorp).